The following is an entry in ClinVar:

ClinVar aggregate classification (germline): Pathogenic (1 of 4 stars; one submission).

Conditions:
Anemia, nonspherocytic hemolytic, due to G6PD deficiency (CNSHA1). Also called: ANEMIA, CONGENITAL, NONSPHEROCYTIC HEMOLYTIC, 1; Hemolytic anemia due to G6PD deficiency; Class I glucose-6-phosphate dehydrogenase deficiency; Favism, susceptibility to. Identifiers: Orphanet 466026, MedGen C2720289, MONDO:0010480, OMIM 300908.

Submission:

Pediatrics, Sichuan Provincial Hospital For Women And Children
Classification: Pathogenic for Anemia, nonspherocytic hemolytic, due to G6PD deficiency. Last evaluated: 2022-09-30. Review status: criteria provided, single submitter. Criteria: ACMG Guidelines, 2015. Collection method: provider interpretation. Allele origin: maternal. Inheritance: X-linked dominant inheritance. Affected: yes. Observed: 1 hemizygote.
Comment: According to ACMG guidelines, this variant was determined to be PS3+PS4+PM1+PM5

Literature cited by the submitters: PubMed 9589612.

NM_001360016.2(G6PD):c.1388G>T (p.Arg463Leu)

Gene: G6PD (glucose-6-phosphate dehydrogenase; minus strand). Cytogenetic location: Xq28.
Variant type: single nucleotide variant.
Coding change: c.1388G>T on transcript NM_001360016.2 (MANE Select); coding-DNA position 1388, G replaced by T.
Protein change: p.Arg463Leu; replaces arginine 463 with leucine.
Molecular consequence: missense variant.
Genome position (GRCh38, 1-based): chrX:154,532,257, C>A on the plus strand (G>T on the coding strand, the complement: G6PD is on the minus strand). VCF-style: chrX-154532257-C-A. GRCh37 (hg19) VCF-style: chrX-153760472-C-A.
Other names: c.1478G>T, p.Arg493Leu (NM_000402.4); c.1388G>T, p.Arg463Leu (NM_001042351.3); short protein forms R463L, R493L.
Identifiers: ClinVar variation 2504081 (VCV002504081.1), dbSNP rs72554664, ClinGen allele CA415232598.